The following is an entry in ClinVar:

NM_001130438.3(SPTAN1):c.4773+13T>A

Gene: SPTAN1 (spectrin alpha, non-erythrocytic 1; plus strand). Cytogenetic location: 9q34.11.
Variant type: single nucleotide variant.
Coding change: c.4773+13T>A on transcript NM_001130438.3 (MANE Select); 13 bases into the intron after coding-DNA position 4773, T replaced by A.
Molecular consequence: intron variant.
Genome position (GRCh38, 1-based): chr9:128,609,678, T>A. VCF-style: chr9-128609678-T-A. GRCh37 (hg19) VCF-style: chr9-131371957-T-A.
Other names: c.4773+13T>A (NM_001363759.2); c.4758+394T>A (NM_003127.4); c.4713+13T>A (NM_001363765.2); c.4698+394T>A (NM_001195532.2).
Identifiers: ClinVar variation 139292 (VCV000139292.6), dbSNP rs539111821, ClinGen allele CA293736.

ClinVar aggregate classification (germline): Benign/Likely benign. Review status: criteria provided, multiple submitters, no conflicts (2 of 4 stars). 2 submissions from 2 submitters: Benign (1); Likely benign (1). Last evaluated 2025-09-24.

Conditions:
Early-infantile DEE. Also called: Early infantile epileptic encephalopathy with suppression bursts; Ohtahara syndrome; Early infantile epileptic encephalopathy. Identifiers: Orphanet 1934, MedGen C0393706, MONDO:0800491.

Allele frequency attached by ClinVar (database versions not stated): gnomAD exomes 0.00002 and 0.00007; gnomAD 0.00010 and 0.00012; 1000 Genomes Project 30x 0.00016; ExAC 0.00017; TOPMed 0.00017; 1000 Genomes Project 0.00020.
gnomAD v4.1: 37 of 1,503,668 alleles (0.0025%); highest among the groups gnomAD compares: African/African-American, 0.052%; no homozygotes.

Submissions (2):

Labcorp Genetics (formerly Invitae), Labcorp
Classification: Likely benign for Early-infantile DEE. Last evaluated: 2025-09-24. Review status: criteria provided, single submitter. Criteria: Invitae Variant Classification Sherloc (09022015). Collection method: clinical testing. Allele origin: germline.

GeneDx
Classification: Benign. Last evaluated: 2013-07-30. Review status: criteria provided, single submitter. Criteria: GeneDx Variant Classification (06012015). Collection method: clinical testing. Allele origin: germline. Affected: yes.
Comment: This variant is considered likely benign or benign based on one or more of the following criteria: it is a conservative change, it occurs at a poorly conserved position in the protein, it is predicted to be benign by multiple in silico algorithms, and/or has population frequency not consistent with disease.